The following is an entry in ClinVar:

NM_001042492.3(NF1):c.7534_7537dup (p.Gln2513fs)

Gene: NF1 (neurofibromin 1; plus strand). Cytogenetic location: 17q11.2.
Variant type: Duplication.
Coding change: c.7534_7537dup on transcript NM_001042492.3 (MANE Select); coding-DNA positions 7534 to 7537, 4 bases duplicated (GGCC; older notation c.7534_7537dupGGCC).
Protein change: p.Gln2513fs; shifts the reading frame from glutamine 2513.
Molecular consequence: frameshift variant.
Genome position (GRCh38, 1-based): chr17:31,352,333-31,352,336, GGCC duplicated; duplicating any 4 consecutive bases within chr17:31,352,332-31,352,336 gives the same sequence; the c. name uses the placement nearest the transcript's 3' end. VCF-style (leftmost placement, unchanged base first): chr17-31352331-T-TCGGC. GRCh37 (hg19) VCF-style: chr17-29679349-T-TCGGC.
Other names: c.7471_7474dup, p.Gln2492Argfs (NM_000267.4); short protein forms Q2513fs, Q2492fs.
Identifiers: ClinVar variation 846377 (VCV000846377.7), dbSNP rs2070170042, ClinGen allele CA916080675.

ClinVar aggregate classification (germline): Pathogenic (1 of 4 stars; one submission).

Conditions:
Neurofibromatosis, type 1 (NF1). Also called: Peripheral type neurofibromatosis; VON RECKLINGHAUSEN DISEASE; Neurofibromatosis, type I; NEUROFIBROMATOSIS, TYPE I, SOMATIC. Identifiers: Orphanet 636, MedGen C0027831, MONDO:0018975, OMIM 162200. Disease mechanism: loss of function.

Submission:

Labcorp Genetics (formerly Invitae), Labcorp
Classification: Pathogenic for Neurofibromatosis, type 1. Last evaluated: 2019-12-19. Review status: criteria provided, single submitter. Criteria: Invitae Variant Classification Sherloc (09022015). Collection method: clinical testing. Allele origin: germline.
Comment: For these reasons, this variant has been classified as Pathogenic. Loss-of-function variants in NF1 are known to be pathogenic (PMID: 10712197, 23913538). This variant has not been reported in the literature in individuals with NF1-related conditions. This variant is not present in population databases (ExAC no frequency). This sequence change creates a premature translational stop signal (p.Gln2492Argfs*24) in the NF1 gene. It is expected to result in an absent or disrupted protein product.

Literature cited by the submitters: PubMed 10712197; PubMed 23913538.